The following is an entry in ClinVar:

ClinVar aggregate classification (germline): Uncertain significance (1 of 4 stars; one submission).

Conditions:
Alpha thalassemia-X-linked intellectual disability syndrome (ATRX). Also called: ALPHA-THALASSEMIA/MENTAL RETARDATION SYNDROME, X-LINKED; ATR, NONDELETION TYPE; ATR-X syndrome; Alpha thalassemia mental retardation syndrome, nondeletion type, X-linked; XLMR hypotonic face syndrome; X-linked alpha-thalassemia-mental retardation syndrome. Identifiers: Orphanet 847, MedGen C1845055, MONDO:0010519, OMIM 301040.

Submission:

Labcorp Genetics (formerly Invitae), Labcorp
Classification: Uncertain significance for Alpha thalassemia-X-linked intellectual disability syndrome. Last evaluated: 2025-10-26. Review status: criteria provided, single submitter. Criteria: Invitae Variant Classification Sherloc (09022015). Collection method: clinical testing. Allele origin: germline.
Comment: This sequence change replaces arginine, which is basic and polar, with cysteine, which is neutral and slightly polar, at codon 2474 of the ATRX protein (p.Arg2474Cys). This variant is not present in population databases (gnomAD no frequency). This variant has not been reported in the literature in individuals affected with ATRX-related conditions. Invitae Evidence Modeling of protein sequence and biophysical properties (such as structural, functional, and spatial information, amino acid conservation, physicochemical variation, residue mobility, and thermodynamic stability) indicates that this missense variant is not expected to disrupt ATRX protein function with a negative predictive value of 95%. In summary, the available evidence is currently insufficient to determine the role of this variant in disease. Therefore, it has been classified as a Variant of Uncertain Significance.

NM_000489.6(ATRX):c.7420C>T (p.Arg2474Cys)

Gene: ATRX (ATRX chromatin remodeler; minus strand). Cytogenetic location: Xq21.1.
Variant type: single nucleotide variant.
Coding change: c.7420C>T on transcript NM_000489.6 (MANE Select); coding-DNA position 7420, C replaced by T.
Protein change: p.Arg2474Cys; replaces arginine 2474 with cysteine.
Molecular consequence: missense variant.
Genome position (GRCh38, 1-based): chrX:77,508,410, G>A on the plus strand (C>T on the coding strand, the complement: ATRX is on the minus strand). VCF-style: chrX-77508410-G-A. GRCh37 (hg19) VCF-style: chrX-76763888-G-A.
Other names: c.7306C>T, p.Arg2436Cys (NM_138270.5); short protein forms R2436C, R2474C.
Identifiers: ClinVar variation 4743880 (VCV004743880.1).
Genomic context (GRCh38, chrX:77,508,410, plus strand): 5'-ATCACATTGATTTCCCTTGGGAAGGTCCTGGATTTTTGCTTCTCATTGGGGGTGGTGCAC[G>A]CTGTAATGGTGGTGGCTGCATACCACCAGCCACTGGCTGATACATTCCTCTCATATCAAT-3'
Protein context (NP_000480.3, residues 2464-2484): AGGMQPPPLQ[Arg2474Cys]APPPMRSKNP